The following is an entry in ClinVar:

NM_000747.3(CHRNB1):c.433G>A (p.Gly145Ser)

Gene: CHRNB1 (cholinergic receptor nicotinic beta 1 subunit; plus strand). Cytogenetic location: 17p13.1.
Variant type: single nucleotide variant.
Coding change: c.433G>A on transcript NM_000747.3 (MANE Select); coding-DNA position 433, G replaced by A.
Protein change: p.Gly145Ser; replaces glycine 145 with serine.
Molecular consequence: missense variant.
Genome position (GRCh38, 1-based): chr17:7,447,122, G>A. VCF-style: chr17-7447122-G-A. GRCh37 (hg19) VCF-style: chr17-7350441-G-A.
Other names: short protein forms G145S.
Identifiers: ClinVar variation 2850901 (VCV002850901.3), dbSNP rs1246519580, ClinGen allele CA397791792.

ClinVar aggregate classification (germline): Uncertain significance (1 of 4 stars; one submission).

Conditions:
Congenital myasthenic syndrome 2A. Also called: Myasthenic syndrome, congenital, 2a, slow-channel. Identifiers: Orphanet 590, MedGen C4225374, MONDO:0014581, OMIM 616313.

Allele frequency attached by ClinVar (database versions not stated): gnomAD exomes below 0.00001; TOPMed below 0.00001.
gnomAD v4.1: 2 of 1,614,104 alleles (0.00012%); highest among the groups gnomAD compares: Non-Finnish European, 0.00017%; no homozygotes.

Submission:

Labcorp Genetics (formerly Invitae), Labcorp
Classification: Uncertain significance for Congenital myasthenic syndrome 2A. Last evaluated: 2023-05-25. Review status: criteria provided, single submitter. Criteria: Invitae Variant Classification Sherloc (09022015). Collection method: clinical testing. Allele origin: germline.
Comment: In summary, the available evidence is currently insufficient to determine the role of this variant in disease. Therefore, it has been classified as a Variant of Uncertain Significance. Advanced modeling of protein sequence and biophysical properties (such as structural, functional, and spatial information, amino acid conservation, physicochemical variation, residue mobility, and thermodynamic stability) performed at Invitae indicates that this missense variant is not expected to disrupt CHRNB1 protein function. This variant has not been reported in the literature in individuals affected with CHRNB1-related conditions. This variant is not present in population databases (gnomAD no frequency). This sequence change replaces glycine, which is neutral and non-polar, with serine, which is neutral and polar, at codon 145 of the CHRNB1 protein (p.Gly145Ser).